The following is an entry in ClinVar:

NM_000016.6(ACADM):c.187G>C (p.Val63Leu)

Gene: ACADM (acyl-CoA dehydrogenase medium chain; plus strand). Cytogenetic location: 1p31.1.
Variant type: single nucleotide variant.
Coding change: c.187G>C on transcript NM_000016.6 (MANE Select); coding-DNA position 187, G replaced by C.
Protein change: p.Val63Leu; replaces valine 63 with leucine.
Molecular consequence: missense variant. On other transcripts: 5 prime UTR variant (1).
Genome position (GRCh38, 1-based): chr1:75,732,712, G>C. VCF-style: chr1-75732712-G-C. GRCh37 (hg19) VCF-style: chr1-76198397-G-C.
Other names: c.187G>C (NM_000016.4); c.199G>C, p.Val67Leu (NM_001127328.3); c.79G>C, p.Val27Leu (NM_001286042.2); c.187G>C, p.Val63Leu (NM_001286043.2); c.-199G>C (NM_001286044.2); short protein forms V27L, V63L, V67L.
Identifiers: ClinVar variation 1625154 (VCV001625154.11), dbSNP rs149308824, ClinGen allele CA912978.
Genomic context (GRCh38, chr1:75,732,712, plus strand): 5'-GAACAGCAGAAAGAATTTCAAGCTACTGCTCGTAAATTTGCCAGAGAGGAAATCATCCCA[G>C]TGGCTGCAGAATATGATAAAACTGGTGAAGTAGGTATATACATTTTAAAGAGGGAAAAAT-3'
Protein context (NP_000007.1, residues 53-73): RKFAREEIIP[Val63Leu]AAEYDKTGEY

ClinVar aggregate classification (germline): Conflicting classifications of pathogenicity. Review status: criteria provided, conflicting classifications (1 of 4 stars). 3 submissions from 3 submitters: Uncertain significance (2); Likely benign (1). Last evaluated 2026-01-13.

Conditions:
Inborn genetic diseases. Identifiers: MedGen C0950123, MeSH D030342.
Medium-chain acyl-coenzyme A dehydrogenase deficiency (ACADMD). Also called: ACADM DEFICIENCY; MCADD; MCADH DEFICIENCY; MCAD Deficiency; CARNITINE DEFICIENCY SECONDARY TO MEDIUM-CHAIN ACYL-CoA DEHYDROGENASE DEFICIENCY; Medium chain acyl-CoA dehydrogenase deficiency. Identifiers: Orphanet 42, MedGen C0220710, MONDO:0008721, OMIM 201450.

Allele frequency attached by ClinVar (database versions not stated): gnomAD exomes 0.00002 and 0.00006; ExAC 0.00008; gnomAD 0.00019; TOPMed 0.00026; ESP Exome Variant Server 0.00038; 1000 Genomes Project 30x 0.00047; 1000 Genomes Project 0.00060.
gnomAD v4.1: 60 of 1,614,028 alleles (0.0037%); highest among the groups gnomAD compares: African/African-American, 0.059%; no homozygotes.

Submissions (3):

Labcorp Genetics (formerly Invitae), Labcorp
Classification: Likely benign for Medium-chain acyl-coenzyme A dehydrogenase deficiency. Last evaluated: 2026-01-13. Review status: criteria provided, single submitter. Criteria: Invitae Variant Classification Sherloc (09022015). Collection method: clinical testing. Allele origin: germline.

Ambry Genetics
Classification: Uncertain significance for Inborn genetic diseases. Last evaluated: 2025-09-22. Review status: criteria provided, single submitter. Criteria: Ambry Variant Classification Scheme 2023. Collection method: clinical testing. Allele origin: germline.

Women's Health and Genetics/Laboratory Corporation of America, LabCorp
Classification: Uncertain significance. Last evaluated: 2022-05-03. Review status: criteria provided, single submitter. Criteria: LabCorp Variant Classification Summary - May 2015. Collection method: clinical testing. Allele origin: germline.
Comment: Variant summary: ACADM c.187G>C (p.Val63Leu) results in a conservative amino acid change located in the Acyl-CoA dehydrogenase/oxidase, N-terminal domain (IPR013786) of the encoded protein sequence. Three of five in-silico tools predict a benign effect of the variant on protein function. The variant allele was found at a frequency of 5.6e-05 in 251342 control chromosomes (gnomAD). This frequency is not significantly higher than expected for a pathogenic variant in ACADM causing Medium Chain Acyl-CoA Dehydrogenase Deficiency (5.6e-05 vs 0.0054), allowing no conclusion about variant significance. To our knowledge, no occurrence of c.187G>C in individuals affected with Medium Chain Acyl-CoA Dehydrogenase Deficiency and no experimental evidence demonstrating its impact on protein function have been reported. One clinical diagnostic laboratory has submitted clinical-significance assessments for this variant to ClinVar after 2014 without evidence for independent evaluation and classified the variant as likely benign. Based on the evidence outlined above, the variant was classified as uncertain significance.